The following is an entry in ClinVar:

ClinVar aggregate classification (germline): Benign/Likely benign. Review status: criteria provided, multiple submitters, no conflicts (2 of 4 stars). 7 submissions from 7 submitters: Benign (3); Likely benign (2). 2 of the submissions do not count toward it. Last evaluated 2026-08-01.

Conditions:
Junctional epidermolysis bullosa with pyloric atresia. Also called: EPIDERMOLYSIS BULLOSA, JUNCTIONAL 5B, WITH PYLORIC ATRESIA; Junctional Epidermolysis Bullosa- Pyloric Atresia Syndrome; APLASIA CUTIS CONGENITA WITH GASTROINTESTINAL ATRESIA; CARMI SYNDROME; EB-PA-ACC; ITGB4-Related Epidermolysis Bullosa with Pyloric Atresia. Identifiers: Orphanet 79403, MedGen C5676875, MONDO:0009183, OMIM 226730.

Allele frequency attached by ClinVar (database versions not stated): 1000 Genomes Project 30x 0.00156; 1000 Genomes Project 0.00160; ESP Exome Variant Server 0.00262; TOPMed 0.00313.
gnomAD v4.1: 2,313 of 1,592,452 alleles (0.15%); highest among the groups gnomAD compares: Middle Eastern, 0.94%; 5 homozygotes.

Submissions (7):

CeGaT Center for Human Genetics Tuebingen
Classification: Likely benign. Last evaluated: 2026-08-01. Review status: criteria provided, single submitter. Criteria: CeGaT Center For Human Genetics Tuebingen Variant Classification Criteria Version 2. Collection method: clinical testing. Allele origin: germline. Affected: yes. Observed: 6 variant alleles.
Comment: ITGB4: BP4, BS1

Labcorp Genetics (formerly Invitae), Labcorp
Classification: Benign. Last evaluated: 2026-02-02. Review status: criteria provided, single submitter. Criteria: Invitae Variant Classification Sherloc (09022015). Collection method: clinical testing. Allele origin: germline.

Mayo Clinic Laboratories, Mayo Clinic
Classification: Likely benign. Last evaluated: 2025-02-18. Review status: criteria provided, single submitter. Criteria: ACMG Guidelines, 2015. Collection method: clinical testing. Allele origin: germline. Observed: 1 variant allele.
Comment: BS1, BP4_moderate

Illumina Laboratory Services, Illumina
Classification: Benign for Junctional epidermolysis bullosa with pyloric atresia. Last evaluated: 2018-01-13. Review status: criteria provided, single submitter. Criteria: ICSL Variant Classification Criteria 13 December 2019. Collection method: clinical testing. Allele origin: germline.
Comment: This variant was observed in the ICSL laboratory as part of a predisposition screen in an ostensibly healthy population. It had not been previously curated by ICSL or reported in the Human Gene Mutation Database (HGMD: prior to June 1st, 2018), and was therefore a candidate for classification through an automated scoring system. Utilizing variant allele frequency, disease prevalence and penetrance estimates, and inheritance mode, an automated score was calculated to assess if this variant is too frequent to cause the disease. Based on the score and internal cut-off values, a variant classified as benign is not then subjected to further curation. The score for this variant resulted in a classification of benign for this disease.

Breakthrough Genomics
Classification: Benign. Review status: criteria provided, single submitter. Criteria: ACMG Guidelines, 2015. Collection method: not provided. Allele origin: germline. Inheritance: Autosomal recessive inheritance. Affected: yes.

Diagnostic Laboratory, Department of Genetics, University Medical Center Groningen
Classification: Likely benign. Review status: no assertion criteria provided. Collection method: clinical testing. Allele origin: germline. Affected: yes. Study: VKGL Data-share Consensus. Not counted in ClinVar's aggregate classification.

Genome Diagnostics Laboratory, University Medical Center Utrecht
Classification: Likely benign. Review status: no assertion criteria provided. Collection method: clinical testing. Allele origin: germline. Affected: yes. Study: VKGL Data-share Consensus. Not counted in ClinVar's aggregate classification.

NM_000213.5(ITGB4):c.2009G>A (p.Arg670His)

Gene: ITGB4 (integrin subunit beta 4; plus strand). Cytogenetic location: 17q25.1.
Variant type: single nucleotide variant.
Coding change: c.2009G>A on transcript NM_000213.5 (MANE Select); coding-DNA position 2009, G replaced by A.
Protein change: p.Arg670His; replaces arginine 670 with histidine.
Molecular consequence: missense variant.
Genome position (GRCh38, 1-based): chr17:75,737,340, G>A. VCF-style: chr17-75737340-G-A. GRCh37 (hg19) VCF-style: chr17-73733421-G-A.
Other names: p.Arg670His; c.2009G>A, p.Arg670His (NM_001005619.2, NM_001005731.3, NM_001321123.2); short protein forms R670H.
Identifiers: ClinVar variation 325157 (VCV000325157.47), dbSNP rs149659118, ClinGen allele CA8769229.